The following is an entry in ClinVar:

ClinVar aggregate classification (germline): Benign (1 of 4 stars; one submission).

Conditions:
Isolated focal non-epidermolytic palmoplantar keratoderma. Also called: Palmoplantar keratoderma, nonepidermolytic, focal 2. Identifiers: Orphanet 448264, MedGen C4225339, MONDO:0014622, OMIM 616400.

Allele frequency attached by ClinVar (database versions not stated): gnomAD 0.00258; 1000 Genomes Project 30x 0.00344; TOPMed 0.00390; 1000 Genomes Project 0.00359.
gnomAD v4.1: 961 of 1,199,244 alleles (0.08%); highest among the groups gnomAD compares: African/African-American, 1.1%; 4 homozygotes.

Submission:

Illumina Laboratory Services, Illumina
Classification: Benign for Isolated focal non-epidermolytic palmoplantar keratoderma. Last evaluated: 2018-01-12. Review status: criteria provided, single submitter. Criteria: ICSL Variant Classification Criteria 13 December 2019. Collection method: clinical testing. Allele origin: germline.
Comment: This variant was observed in the ICSL laboratory as part of a predisposition screen in an ostensibly healthy population. It had not been previously curated by ICSL or reported in the Human Gene Mutation Database (HGMD: prior to June 1st, 2018), and was therefore a candidate for classification through an automated scoring system. Utilizing variant allele frequency, disease prevalence and penetrance estimates, and inheritance mode, an automated score was calculated to assess if this variant is too frequent to cause the disease. Based on the score and internal cut-off values, a variant classified as benign is not then subjected to further curation. The score for this variant resulted in a classification of benign for this disease.

NM_145068.4(TRPV3):c.*84G>A

Genes: SPATA22 (spermatogenesis associated 22; minus strand), TRPV3 (transient receptor potential cation channel subfamily V member 3; minus strand). Cytogenetic location: 17p13.2.
Variant type: single nucleotide variant.
Coding change: c.*84G>A on transcript NM_145068.4 (MANE Select); 84 bases downstream of the stop codon, G replaced by A.
Molecular consequence: 3 prime UTR variant. On other transcripts: 5 prime UTR variant (2).
Genome position (GRCh38, 1-based): chr17:3,513,833, C>T on the plus strand (G>A on the coding strand, the complement: TRPV3 is on the minus strand). VCF-style: chr17-3513833-C-T. GRCh37 (hg19) VCF-style: chr17-3417127-C-T.
Other names: c.*84G>A (NM_001258205.2); c.-495G>A (NM_001321336.2, NM_001321337.2).
Identifiers: ClinVar variation 322743 (VCV000322743.7), dbSNP rs146188912, ClinGen allele CA10639422.